The following is an entry in ClinVar:

NM_206933.4(USH2A):c.15020C>T (p.Pro5007Leu)

Gene: USH2A (usherin; minus strand). Cytogenetic location: 1q41.
Variant type: single nucleotide variant.
Coding change: c.15020C>T on transcript NM_206933.4 (MANE Select); coding-DNA position 15020, C replaced by T.
Protein change: p.Pro5007Leu; replaces proline 5007 with leucine.
Molecular consequence: missense variant.
Genome position (GRCh38, 1-based): chr1:215,639,187, G>A on the plus strand (C>T on the coding strand, the complement: USH2A is on the minus strand). VCF-style: chr1-215639187-G-A. GRCh37 (hg19) VCF-style: chr1-215812529-G-A.
Other names: c.15020C>T (NM_206933.2); short protein forms P5007L.
Identifiers: ClinVar variation 1024750 (VCV001024750.12), dbSNP rs1237333884, ClinGen allele CA344826429.

ClinVar aggregate classification (germline): Pathogenic/Likely pathogenic. Review status: criteria provided, multiple submitters, no conflicts (2 of 4 stars). 4 submissions from 4 submitters: Pathogenic (1); Likely pathogenic (2). 1 of the submissions does not count toward it. Last evaluated 2025-07-03.

Conditions:
USH2A-related disorder. Also called: USH2A-related condition; USH2A-related disorders. Identifiers: MedGen CN239332.
Usher syndrome type 2A. Also called: RETINAL DISEASE IN USHER SYNDROME TYPE IIA, MODIFIER OF; USHER SYNDROME, TYPE IIA. Identifiers: Orphanet 231178, Orphanet 886, MedGen C1848634, MONDO:0010169, OMIM 276901.
Usher syndrome. Also called: Usher Syndromes; Usher's syndrome. Identifiers: Orphanet 886, MedGen CN469326, MeSH D052245, MONDO:0019501. Disease mechanism: loss of function.

Allele frequency attached by ClinVar (database versions not stated): gnomAD exomes below 0.00001.
gnomAD v4.1: 2 of 1,614,048 alleles (0.00012%); highest among the groups gnomAD compares: Non-Finnish European, 0.00017%; no homozygotes.

Submissions (4):

Women's Health and Genetics/Laboratory Corporation of America, LabCorp
Classification: Likely pathogenic for Usher syndrome. Last evaluated: 2025-07-03. Review status: criteria provided, single submitter. Criteria: LabCorp Variant Classification Summary - May 2015. Collection method: clinical testing. Allele origin: germline.
Comment: Variant summary: USH2A c.15020C>T (p.Pro5007Leu) results in a non-conservative amino acid change in the encoded protein sequence. Algorithms developed to predict the effect of missense changes on protein structure and function are either unavailable or do not agree on the potential impact of this missense change. The variant allele was found at a frequency of 4e-06 in 251406 control chromosomes. c.15020C>T has been observed in the compound heterozygous state in individuals affected with Usher Syndrome and retinitis pigmentosa (Tiwari_2016, Martin-Merida_2019, Bianco_2023, internal data). These data indicate that the variant is likely to be associated with disease. To our knowledge, no experimental evidence demonstrating an impact on protein function has been reported. The following publications have been ascertained in the context of this evaluation (PMID: 38088826, 30902645, 27353947). ClinVar contains an entry for this variant (Variation ID: 1024750). Based on the evidence outlined above, the variant was classified as likely pathogenic.

Labcorp Genetics (formerly Invitae), Labcorp
Classification: Likely pathogenic. Last evaluated: 2024-07-12. Review status: criteria provided, single submitter. Criteria: Invitae Variant Classification Sherloc (09022015). Collection method: clinical testing. Allele origin: germline.
Comment: This sequence change replaces proline, which is neutral and non-polar, with leucine, which is neutral and non-polar, at codon 5007 of the USH2A protein (p.Pro5007Leu). This variant is present in population databases (no rsID available, gnomAD 0.0009%). This missense change has been observed in individual(s) with USH2A-related conditions (PMID: 27353947; Invitae). In at least one individual the data is consistent with being in trans (on the opposite chromosome) from a pathogenic variant. ClinVar contains an entry for this variant (Variation ID: 1024750). Advanced modeling of protein sequence and biophysical properties (such as structural, functional, and spatial information, amino acid conservation, physicochemical variation, residue mobility, and thermodynamic stability) has been performed at Invitae for this missense variant, however the output from this modeling did not meet the statistical confidence thresholds required to predict the impact of this variant on USH2A protein function. In summary, the currently available evidence indicates that the variant is pathogenic, but additional data are needed to prove that conclusively. Therefore, this variant has been classified as Likely Pathogenic.

Blueprint Genetics
Classification: Pathogenic for USH2A-related disorders. Last evaluated: 2022-09-16. Review status: criteria provided, single submitter. Criteria: ACMG Guidelines, 2015. Collection method: clinical testing. Allele origin: germline. Affected: yes. Observed: 3 variant alleles.

Natera, Inc.
Classification: Uncertain significance for Usher syndrome type 2A. Last evaluated: 2020-09-22. Review status: no assertion criteria provided. Collection method: clinical testing. Allele origin: germline. Not counted in ClinVar's aggregate classification.

Literature cited by the submitters: PubMed 27353947 (cited by Women's Health and Genetics/Laboratory Corporation of America, LabCorp and Labcorp Genetics (formerly Invitae), Labcorp); PubMed 30902645 (cited by Women's Health and Genetics/Laboratory Corporation of America, LabCorp); PubMed 38088826 (cited by Women's Health and Genetics/Laboratory Corporation of America, LabCorp).